The following is an entry in ClinVar:

NM_005257.6(GATA6):c.540GGC[4] (p.Ala183dup)

Gene: GATA6 (GATA binding protein 6; plus strand). Cytogenetic location: 18q11.2.
Variant type: Microsatellite.
Coding change: c.540GGC[4] on transcript NM_005257.6 (MANE Select); four copies in a row of the 3-base unit GGC starting at c.540; the reference has three copies in a row; one copy, 3 bases duplicated.
Protein change: p.Ala183dup; duplicates alanine 183.
Molecular consequence: inframe insertion.
Genome position (GRCh38, 1-based): chr18:22,171,690-22,171,692, GGC duplicated; duplicating any 3 consecutive bases within chr18:22,171,682-22,171,692 gives the same sequence; the position shown is the placement nearest the transcript's 3' end. VCF-style (leftmost placement, unchanged base first): chr18-22171681-C-CGCG. GRCh37 (hg19) VCF-style: chr18-19751642-C-CGCG.
Other names: c.546_548dupGGC (NM_005257.5).
Identifiers: ClinVar variation 656095 (VCV000656095.8), dbSNP rs762101807, ClinGen allele CA8908907.

ClinVar aggregate classification (germline): Uncertain significance (1 of 4 stars; one submission).

Conditions:
Atrioventricular septal defect 5 (AVSD5). Identifiers: MedGen C3280939, MONDO:0013769, OMIM 614474.

Submission:

Labcorp Genetics (formerly Invitae), Labcorp
Classification: Uncertain significance for Atrioventricular septal defect 5. Last evaluated: 2022-07-19. Review status: criteria provided, single submitter. Criteria: Invitae Variant Classification Sherloc (09022015). Collection method: clinical testing. Allele origin: germline.
Comment: In summary, the available evidence is currently insufficient to determine the role of this variant in disease. Therefore, it has been classified as a Variant of Uncertain Significance. Experimental studies and prediction algorithms are not available or were not evaluated, and the functional significance of this variant is currently unknown. ClinVar contains an entry for this variant (Variation ID: 656095). This variant has not been reported in the literature in individuals affected with GATA6-related conditions. This variant is present in population databases (rs762101807, gnomAD 0.02%). This variant, c.546_548dup, results in the insertion of 1 amino acid(s) of the GATA6 protein (p.Ala183dup), but otherwise preserves the integrity of the reading frame.